The following is an entry in ClinVar:

ClinVar aggregate classification (germline): Uncertain significance (1 of 4 stars; one submission).

Conditions:
Dilated cardiomyopathy 1O (CMD1O). Also called: CARDIOMYOPATHY, DILATED, WITH VENTRICULAR TACHYCARDIA. Identifiers: Orphanet 154, MedGen C1837839, MONDO:0012062, OMIM 608569.

Submission:

Labcorp Genetics (formerly Invitae), Labcorp
Classification: Uncertain significance for Dilated cardiomyopathy 1O. Last evaluated: 2024-04-22. Review status: criteria provided, single submitter. Criteria: Invitae Variant Classification Sherloc (09022015). Collection method: clinical testing. Allele origin: germline.
Comment: This sequence change replaces leucine, which is neutral and non-polar, with valine, which is neutral and non-polar, at codon 581 of the ABCC9 protein (p.Leu581Val). This variant is not present in population databases (gnomAD no frequency). This variant has not been reported in the literature in individuals affected with ABCC9-related conditions. Advanced modeling of protein sequence and biophysical properties (such as structural, functional, and spatial information, amino acid conservation, physicochemical variation, residue mobility, and thermodynamic stability) performed at Invitae indicates that this missense variant is expected to disrupt ABCC9 protein function with a positive predictive value of 95%. In summary, the available evidence is currently insufficient to determine the role of this variant in disease. Therefore, it has been classified as a Variant of Uncertain Significance.

NM_020297.4(ABCC9):c.1741C>G (p.Leu581Val)

Gene: ABCC9 (ATP binding cassette subfamily C member 9; minus strand). Cytogenetic location: 12p12.1.
Variant type: single nucleotide variant.
Coding change: c.1741C>G on transcript NM_020297.4 (MANE Select); coding-DNA position 1741, C replaced by G.
Protein change: p.Leu581Val; replaces leucine 581 with valine.
Molecular consequence: missense variant.
Genome position (GRCh38, 1-based): chr12:21,894,093, G>C on the plus strand (C>G on the coding strand, the complement: ABCC9 is on the minus strand). VCF-style: chr12-21894093-G-C. GRCh37 (hg19) VCF-style: chr12-22047027-G-C.
Other names: c.1741C>G, p.Leu581Val (NM_001377273.1, NM_005691.4); c.877C>G, p.Leu293Val (NM_001377274.1); short protein forms L581V, L293V.
Identifiers: ClinVar variation 3649734 (VCV003649734.2).